The following is an entry in ClinVar:

NM_017654.4(SAMD9):c.184G>C (p.Gly62Arg)

Gene: SAMD9 (sterile alpha motif domain containing 9; minus strand). Cytogenetic location: 7q21.2.
Variant type: single nucleotide variant.
Coding change: c.184G>C on transcript NM_017654.4 (MANE Select); coding-DNA position 184, G replaced by C.
Protein change: p.Gly62Arg; replaces glycine 62 with arginine.
Molecular consequence: missense variant.
Genome position (GRCh38, 1-based): chr7:93,105,914, C>G on the plus strand (G>C on the coding strand, the complement: SAMD9 is on the minus strand). VCF-style: chr7-93105914-C-G. GRCh37 (hg19) VCF-style: chr7-92735227-C-G.
Other names: c.184G>C (NM_017654.3); c.184G>C, p.Gly62Arg (NM_001193307.2); short protein forms G62R.
Identifiers: ClinVar variation 4079954 (VCV004079954.2).

ClinVar aggregate classification (germline): Uncertain significance. Review status: criteria provided, multiple submitters, no conflicts (2 of 4 stars). 2 submissions from 2 submitters: Uncertain significance (2). Last evaluated 2026-01-13.

Conditions:
Inborn genetic diseases. Identifiers: MedGen C0950123, MeSH D030342.

gnomAD v4.1: 6 of 1,613,810 alleles (0.00037%); highest among the groups gnomAD compares: African/African-American, 0.008%; no homozygotes.

Submissions (2):

Ambry Genetics
Classification: Uncertain significance for Inborn genetic diseases. Last evaluated: 2026-01-13. Review status: criteria provided, single submitter. Criteria: Ambry Variant Classification Scheme 2023. Collection method: clinical testing. Allele origin: germline.
Comment: The p.G62R variant (also known as c.184G>C), located in coding exon 1 of the SAMD9 gene, results from a G to C substitution at nucleotide position 184. The glycine at codon 62 is replaced by arginine, an amino acid with dissimilar properties. This amino acid position is conserved. In addition, this alteration is predicted to be deleterious by in silico analysis. Based on the available evidence, the clinical significance of this variant remains unclear.

Revvity Omics, Revvity
Classification: Uncertain significance. Last evaluated: 2023-09-28. Review status: criteria provided, single submitter. Criteria: ACMG Guidelines, 2015. Collection method: clinical testing. Allele origin: germline.